The following is an entry in ClinVar:

NM_015021.3(ZNF292):c.2054T>A (p.Val685Glu)

Gene: ZNF292 (zinc finger protein 292; plus strand). Cytogenetic location: 6q14.3.
Variant type: single nucleotide variant.
Coding change: c.2054T>A on transcript NM_015021.3 (MANE Select); coding-DNA position 2054, T replaced by A.
Protein change: p.Val685Glu; replaces valine 685 with glutamic acid.
Molecular consequence: missense variant.
Genome position (GRCh38, 1-based): chr6:87,255,683, T>A. VCF-style: chr6-87255683-T-A. GRCh37 (hg19) VCF-style: chr6-87965401-T-A.
Other names: c.1634T>A, p.Val545Glu (NM_001351444.2); short protein forms V545E, V685E.
Identifiers: ClinVar variation 4532422 (VCV004532422.1).
Genomic context (GRCh38, chr6:87,255,683, plus strand): 5'-ATGAGCCAGAAGTGATTCCAGTCCAGAAACCAGTACCTGTTAATGAATTTAATTGCCCTG[T>A]AACTTTTTGTAAAAAGGGCTTTAAGTACTTTAAAAATTTAATTGCTCATGTGAAGGGGCA-3'
Protein context (NP_055836.1, residues 675-695): PVPVNEFNCP[Val685Glu]TFCKKGFKYF

ClinVar aggregate classification (germline): Uncertain significance (1 of 4 stars; one submission).

Submission:

GeneDx
Classification: Uncertain significance. Last evaluated: 2025-05-28. Review status: criteria provided, single submitter. Criteria: GeneDx Variant Classification Process June 2021. Collection method: clinical testing. Allele origin: germline. Affected: yes.
Comment: Not observed at significant frequency in large population cohorts (gnomAD); In silico analysis supports that this missense variant has a deleterious effect on protein structure/function; Has not been previously published as pathogenic or benign to our knowledge